The following is an entry in ClinVar:

NM_000214.3(JAG1):c.2959A>T (p.Asn987Tyr)

Gene: JAG1 (jagged canonical Notch ligand 1; minus strand). Cytogenetic location: 20p12.2.
Variant type: single nucleotide variant.
Coding change: c.2959A>T on transcript NM_000214.3 (MANE Select); coding-DNA position 2959, A replaced by T.
Protein change: p.Asn987Tyr; replaces asparagine 987 with tyrosine.
Molecular consequence: missense variant.
Genome position (GRCh38, 1-based): chr20:10,641,202, T>A on the plus strand (A>T on the coding strand, the complement: JAG1 is on the minus strand). VCF-style: chr20-10641202-T-A. GRCh37 (hg19) VCF-style: chr20-10621850-T-A.
Other names: short protein forms N987Y.
Identifiers: ClinVar variation 2566904 (VCV002566904.2), dbSNP rs2067268754, ClinGen allele CA408244577.

ClinVar aggregate classification (germline): Uncertain significance (1 of 4 stars; one submission).

Conditions:
Cardiovascular phenotype. Identifiers: MedGen CN230736.

Allele frequency attached by ClinVar (database versions not stated): gnomAD 0.00001.
gnomAD v4.1: 1 of 1,613,854 alleles (0.000062%); highest among the groups gnomAD compares: African/African-American, 0.0013%; no homozygotes.

Submission:

Ambry Genetics
Classification: Uncertain significance for Cardiovascular phenotype. Last evaluated: 2023-04-03. Review status: criteria provided, single submitter. Criteria: Ambry Variant Classification Scheme 2023. Collection method: clinical testing. Allele origin: germline.
Comment: The p.N987Y variant (also known as c.2959A>T), located in coding exon 24 of the JAG1 gene, results from an A to T substitution at nucleotide position 2959. The asparagine at codon 987 is replaced by tyrosine, an amino acid with dissimilar properties. This amino acid position is conserved. In addition, this alteration is predicted to be tolerated by in silico analysis. Since supporting evidence is limited at this time, the clinical significance of this alteration remains unclear.